The following is an entry in ClinVar:

NM_001384140.1(PCDH15):c.2449C>T (p.Pro817Ser)

Gene: PCDH15 (protocadherin related 15; minus strand). Cytogenetic location: 10q21.1.
Variant type: single nucleotide variant.
Coding change: c.2449C>T on transcript NM_001384140.1 (MANE Select); coding-DNA position 2449, C replaced by T.
Protein change: p.Pro817Ser; replaces proline 817 with serine.
Molecular consequence: missense variant.
Genome position (GRCh38, 1-based): chr10:54,022,969, G>A on the plus strand (C>T on the coding strand, the complement: PCDH15 is on the minus strand). VCF-style: chr10-54022969-G-A. GRCh37 (hg19) VCF-style: chr10-55782729-G-A.
Other names: c.2464C>T, p.Pro822Ser (NM_001142763.2, NM_001142771.2); c.2449C>T, p.Pro817Ser (NM_001142764.2, NM_001142766.2, NM_001142770.3 and 5 more transcripts); c.2236C>T, p.Pro746Ser (NM_001142765.2); c.2338C>T, p.Pro780Ser (NM_001142767.2); c.2383C>T, p.Pro795Ser (NM_001142768.2, NM_001142773.2, NM_001354404.2); c.2485C>T, p.Pro829Ser (NM_001142769.4); c.2470C>T, p.Pro824Ser (NM_001354411.2); short protein forms P746S, P795S, P824S, P817S, P829S, P780S, P822S.
Identifiers: ClinVar variation 1434658 (VCV001434658.3), dbSNP rs759961676, ClinGen allele CA5506025.
Genomic context (GRCh38, chr10:54,022,969, plus strand): 5'-TAGTCCCAGCTGGCAAATTCTCTTCAACAAGGACAGTGTATGTTGAATTGGTGAACACAG[G>A]ACTGTTATCATCAATGTCCAAAACCTTGATGGCCAAGGTTAGAGTTGAATGACGAGGGTG-3'
Protein context (NP_001371069.1, residues 807-827): IKVLDIDDNS[Pro817Ser]VFTNSTYTVL

ClinVar aggregate classification (germline): Uncertain significance (1 of 4 stars; one submission).

Allele frequency attached by ClinVar (database versions not stated): gnomAD exomes 0.00001; ExAC 0.00002.
gnomAD v4.1: 9 of 1,613,898 alleles (0.00056%); highest among the groups gnomAD compares: South Asian, 0.0055%; no homozygotes.

Submission:

Labcorp Genetics (formerly Invitae), Labcorp
Classification: Uncertain significance. Last evaluated: 2021-11-28. Review status: criteria provided, single submitter. Criteria: Invitae Variant Classification Sherloc (09022015). Collection method: clinical testing. Allele origin: germline.
Comment: This sequence change replaces proline, which is neutral and non-polar, with serine, which is neutral and polar, at codon 817 of the PCDH15 protein (p.Pro817Ser). This variant is present in population databases (rs759961676, gnomAD 0.003%). This variant has not been reported in the literature in individuals affected with PCDH15-related conditions. Algorithms developed to predict the effect of missense changes on protein structure and function are either unavailable or do not agree on the potential impact of this missense change (SIFT: "Deleterious"; PolyPhen-2: "Probably Damaging"; Align-GVGD: "Class C0"). In summary, the available evidence is currently insufficient to determine the role of this variant in disease. Therefore, it has been classified as a Variant of Uncertain Significance.